The following is an entry in ClinVar:

NM_177438.3(DICER1):c.3838A>G (p.Ser1280Gly)

Gene: DICER1 (dicer 1, ribonuclease III; minus strand). Cytogenetic location: 14q32.13.
Variant type: single nucleotide variant.
Coding change: c.3838A>G on transcript NM_177438.3 (MANE Select); coding-DNA position 3838, A replaced by G.
Protein change: p.Ser1280Gly; replaces serine 1280 with glycine.
Molecular consequence: missense variant.
Genome position (GRCh38, 1-based): chr14:95,103,558, T>C on the plus strand (A>G on the coding strand, the complement: DICER1 is on the minus strand). VCF-style: chr14-95103558-T-C. GRCh37 (hg19) VCF-style: chr14-95569895-T-C.
Other names: c.3838A>G, p.Ser1280Gly (NM_001195573.1, NM_001271282.3, NM_001291628.2 and 1 more transcripts); short protein forms S1280G.
Identifiers: ClinVar variation 1486735 (VCV001486735.9), dbSNP rs148696745, ClinGen allele CA7330979.

ClinVar aggregate classification (germline): Uncertain significance (1 of 4 stars; one submission).

Conditions:
DICER1-related tumor predisposition. Also called: DICER1-related pleuropulmonary blastoma cancer predisposition syndrome; DICER1 syndrome. Identifiers: Orphanet 284343, MedGen C3839822, MONDO:0100216.

Allele frequency attached by ClinVar (database versions not stated): gnomAD exomes below 0.00001; ExAC 0.00001; ESP Exome Variant Server 0.00008.

Submission:

Labcorp Genetics (formerly Invitae), Labcorp
Classification: Uncertain significance for DICER1-related tumor predisposition. Last evaluated: 2021-05-17. Review status: criteria provided, single submitter. Criteria: Invitae Variant Classification Sherloc (09022015). Collection method: clinical testing. Allele origin: germline.
Comment: This sequence change replaces serine with glycine at codon 1280 of the DICER1 protein (p.Ser1280Gly). The serine residue is weakly conserved and there is a small physicochemical difference between serine and glycine. In summary, the available evidence is currently insufficient to determine the role of this variant in disease. Therefore, it has been classified as a Variant of Uncertain Significance. Algorithms developed to predict the effect of missense changes on protein structure and function output the following: SIFT: "Tolerated"; PolyPhen-2: "Benign"; Align-GVGD: "Class C0". The glycine amino acid residue is found in multiple mammalian species, suggesting that this missense change does not adversely affect protein function. These predictions have not been confirmed by published functional studies and their clinical significance is uncertain. This variant has not been reported in the literature in individuals with DICER1-related conditions. This variant is present in population databases (rs148696745, ExAC 0.001%).